The following is an entry in ClinVar:

NM_000051.4(ATM):c.2587_2589dup (p.Asp863dup)

Gene: ATM (ATM serine/threonine kinase; plus strand). Cytogenetic location: 11q22.3.
Variant type: Duplication.
Coding change: c.2587_2589dup on transcript NM_000051.4 (MANE Select); coding-DNA positions 2587 to 2589, 3 bases duplicated (GAT; older notation c.2587_2589dupGAT).
Protein change: p.Asp863dup; duplicates aspartic acid 863.
Molecular consequence: inframe insertion.
Genome position (GRCh38, 1-based): chr11:108,267,291-108,267,293, GAT duplicated; duplicating any 3 consecutive bases within chr11:108,267,290-108,267,293 gives the same sequence; the c. name uses the placement nearest the transcript's 3' end. VCF-style (leftmost placement, unchanged base first): chr11-108267289-C-CTGA. GRCh37 (hg19) VCF-style: chr11-108138016-C-CTGA.
Other names: c.2587_2589dupGAT (NM_000051.3); c.2587_2589dup, p.Asp863dup (NM_001351834.2).
Identifiers: ClinVar variation 959169 (VCV000959169.9), dbSNP rs2081310087, ClinGen allele CA1139662173.
Genomic context (GRCh38, chr11:108,267,289, plus strand): 5'-CTAATGGAAATCTAATGGAGGTGGAGGATCAGTCATCCATGAATCTATTTAACGATTACC[C>CTGA]TGATAGTAGTGTTAGTGATGCAAACGAACCTGGAGAGAGCCAAAGTACCATAGGTAAATA-3'

ClinVar aggregate classification (germline): Uncertain significance. Review status: criteria provided, multiple submitters, no conflicts (2 of 4 stars). 2 submissions from 2 submitters: Uncertain significance (2). Last evaluated 2025-03-30.

Conditions:
Hereditary cancer-predisposing syndrome. Also called: Hereditary neoplastic syndrome; Tumor predisposition; Neoplastic Syndromes, Hereditary; Hereditary Cancer Syndrome. Identifiers: Orphanet 140162, MedGen C0027672, MeSH D009386, MONDO:0015356.
Ataxia-telangiectasia syndrome (AT). Also called: AT, COMPLEMENTATION GROUP C; Ataxia telangiectasia (A-T); Cerebello-oculocutaneous telangiectasia; Immunodeficiency with ataxia telangiectasia; LOUIS-BAR SYNDROME; Ataxia-telangiectasia. Identifiers: Orphanet 100, MedGen C0004135, MONDO:0008840, OMIM 208900.

Submissions (2):

Labcorp Genetics (formerly Invitae), Labcorp
Classification: Uncertain significance for Ataxia-telangiectasia syndrome. Last evaluated: 2025-03-30. Review status: criteria provided, single submitter. Criteria: Invitae Variant Classification Sherloc (09022015). Collection method: clinical testing. Allele origin: germline.
Comment: This variant, c.2587_2589dup, results in the insertion of 1 amino acid(s) of the ATM protein (p.Asp863dup), but otherwise preserves the integrity of the reading frame. This variant is not present in population databases (gnomAD no frequency). This variant has not been reported in the literature in individuals affected with ATM-related conditions. ClinVar contains an entry for this variant (Variation ID: 959169). Experimental studies and prediction algorithms are not available or were not evaluated, and the functional significance of this variant is currently unknown. In summary, the available evidence is currently insufficient to determine the role of this variant in disease. Therefore, it has been classified as a Variant of Uncertain Significance.

Ambry Genetics
Classification: Uncertain significance for Hereditary cancer-predisposing syndrome. Last evaluated: 2023-12-01. Review status: criteria provided, single submitter. Criteria: Ambry Variant Classification Scheme 2023. Collection method: clinical testing. Allele origin: germline.
Comment: The c.2587_2589dupGAT variant (also known as p.D863dup), located in coding exon 16 of the ATM gene, results from an in-frame duplication of GAT at nucleotide positions 2587 to 2589. This results in the duplication of an extra aspartic acid residue between codons 863 and 864. This amino acid position is poorly conserved in available vertebrate species. In addition, this alteration is predicted to be neutral by in silico analysis (Choi Y et al. PLoS ONE. 2012; 7(10):e46688). Since supporting evidence is limited at this time, the clinical significance of this alteration remains unclear.